The following is an entry in ClinVar:

NM_006063.3(KLHL41):c.769G>C (p.Asp257His)

Gene: KLHL41 (kelch like family member 41; plus strand). Cytogenetic location: 2q31.1.
Variant type: single nucleotide variant.
Coding change: c.769G>C on transcript NM_006063.3 (MANE Select); coding-DNA position 769, G replaced by C.
Protein change: p.Asp257His; replaces aspartic acid 257 with histidine.
Molecular consequence: missense variant.
Genome position (GRCh38, 1-based): chr2:169,510,547, G>C. VCF-style: chr2-169510547-G-C. GRCh37 (hg19) VCF-style: chr2-170367057-G-C.
Other names: short protein forms D257H.
Identifiers: ClinVar variation 1389908 (VCV001389908.6), dbSNP rs916111973, ClinGen allele CA59943742.

ClinVar aggregate classification (germline): Uncertain significance (1 of 4 stars; one submission).

Conditions:
Nemaline myopathy 9 (NEM9). Identifiers: MedGen C3810384, MONDO:0014326, OMIM 615731.

Submission:

Labcorp Genetics (formerly Invitae), Labcorp
Classification: Uncertain significance for Nemaline myopathy 9. Last evaluated: 2021-08-21. Review status: criteria provided, single submitter. Criteria: Invitae Variant Classification Sherloc (09022015). Collection method: clinical testing. Allele origin: germline.
Comment: This variant has not been reported in the literature in individuals affected with KLHL41-related conditions. Algorithms developed to predict the effect of missense changes on protein structure and function are either unavailable or do not agree on the potential impact of this missense change (SIFT: "Deleterious"; PolyPhen-2: "Probably Damaging"; Align-GVGD: "Class C0"). In summary, the available evidence is currently insufficient to determine the role of this variant in disease. Therefore, it has been classified as a Variant of Uncertain Significance. This variant is not present in population databases (ExAC no frequency). This sequence change replaces aspartic acid with histidine at codon 257 of the KLHL41 protein (p.Asp257His). The aspartic acid residue is highly conserved and there is a moderate physicochemical difference between aspartic acid and histidine.